The following is an entry in ClinVar:

NM_001364905.1(LRBA):c.3942G>A (p.Met1314Ile)

Gene: LRBA (LPS responsive beige-like anchor protein; minus strand). Cytogenetic location: 4q31.3.
Variant type: single nucleotide variant.
Coding change: c.3942G>A on transcript NM_001364905.1 (MANE Select); coding-DNA position 3942, G replaced by A.
Protein change: p.Met1314Ile; replaces methionine 1314 with isoleucine.
Molecular consequence: missense variant.
Genome position (GRCh38, 1-based): chr4:150,850,786, C>T on the plus strand (G>A on the coding strand, the complement: LRBA is on the minus strand). VCF-style: chr4-150850786-C-T. GRCh37 (hg19) VCF-style: chr4-151771938-C-T.
Other names: p.Met1314Ile; c.3942G>A, p.Met1314Ile (NM_001199282.3, NM_001367550.1, NM_006726.5); short protein forms M1314I.
Identifiers: ClinVar variation 834208 (VCV000834208.7), dbSNP rs761765555, ClinGen allele CA3102947.
Genomic context (GRCh38, chr4:150,850,786, plus strand): 5'-TCTCCACATCTGTATATCTGTTTCTATTGAAAATAATAGATCAGTGAGCAAACGTTGATG[C>T]ATCTGAGACCAGTTGAACTCAGGAATACGAAACACAGTAGATCTGGAATCCCTCCTTTGT-3'
Protein context (NP_001351834.1, residues 1304-1324): FRIPEFNWSQ[Met1314Ile]HQRLLTDLLF

ClinVar aggregate classification (germline): Uncertain significance. Review status: criteria provided, multiple submitters, no conflicts (2 of 4 stars). 3 submissions from 3 submitters: Uncertain significance (3). Last evaluated 2025-07-09.

Conditions:
Combined immunodeficiency due to LRBA deficiency. Also called: Common variable immunodeficiency 8, with autoimmunity. Identifiers: Orphanet 445018, MedGen C3553512, MONDO:0013863, OMIM 614700.

Allele frequency attached by ClinVar (database versions not stated): TOPMed below 0.00001; gnomAD 0.00001; gnomAD exomes 0.00002 and 0.00004; ExAC 0.00003.

Submissions (3):

Labcorp Genetics (formerly Invitae), Labcorp
Classification: Uncertain significance for Combined immunodeficiency due to LRBA deficiency. Last evaluated: 2025-07-09. Review status: criteria provided, single submitter. Criteria: Invitae Variant Classification Sherloc (09022015). Collection method: clinical testing. Allele origin: germline.
Comment: This sequence change replaces methionine, which is neutral and non-polar, with isoleucine, which is neutral and non-polar, at codon 1314 of the LRBA protein (p.Met1314Ile). This variant is present in population databases (rs761765555, gnomAD 0.03%). This variant has not been reported in the literature in individuals affected with LRBA-related conditions. ClinVar contains an entry for this variant (Variation ID: 834208). Invitae Evidence Modeling of protein sequence and biophysical properties (such as structural, functional, and spatial information, amino acid conservation, physicochemical variation, residue mobility, and thermodynamic stability) has been performed for this missense variant. However, the output from this modeling did not meet the statistical confidence thresholds required to predict the impact of this variant on LRBA protein function. In summary, the available evidence is currently insufficient to determine the role of this variant in disease. Therefore, it has been classified as a Variant of Uncertain Significance.

Blueprint Genetics
Classification: Uncertain significance. Last evaluated: 2022-04-12. Review status: criteria provided, single submitter. Criteria: ACMG Guidelines, 2015. Collection method: clinical testing. Allele origin: germline.

Mayo Clinic Laboratories, Mayo Clinic
Classification: Uncertain significance. Last evaluated: 2021-08-10. Review status: criteria provided, single submitter. Criteria: ACMG Guidelines, 2015. Collection method: clinical testing. Allele origin: germline.